The following is an entry in ClinVar:

ClinVar aggregate classification (germline): Uncertain significance (1 of 4 stars; one submission).

Conditions:
Atypical hemolytic-uremic syndrome. Identifiers: Orphanet 2134, MedGen C2931788, MONDO:0016244.

Submission:

Genomenon, Inc
Classification: Uncertain significance for Atypical hemolytic-uremic syndrome. Last evaluated: 2025-10-02. Review status: criteria provided, single submitter. Criteria: Genomenon Sequence Variant Interpretation Standards. Collection method: curation. Allele origin: germline. Affected: yes.
Comment: CD46 p.Trp216Cys (c.648G>C) is a missense variant that changes the amino acid at residue 216 from Tryptophan to Cysteine. This variant has been observed in at least one proband affected with atypical hemolytic-uremic syndrome (PMID:24933457;33224962;24029428;29563339;20513133). It is absent or not present at a significant frequency in gnomAD. In silico models agree that this variant is possibly or probably damaging. In conclusion, we classify CD46 p.Trp216Cys (c.648G>C) as a variant of uncertain significance.

Literature cited by the submitters: PubMed 24933457; PubMed 33224962; PubMed 24029428; PubMed 29563339; PubMed 20513133.

NM_172351.3(CD46):c.648G>C (p.Trp216Cys)

Gene: CD46 (CD46 molecule; plus strand). Cytogenetic location: 1q32.2.
Variant type: single nucleotide variant.
Coding change: c.648G>C on transcript NM_172351.3 (MANE Select); coding-DNA position 648, G replaced by C.
Protein change: p.Trp216Cys; replaces tryptophan 216 with cysteine.
Molecular consequence: missense variant.
Genome position (GRCh38, 1-based): chr1:207,761,421, G>C. VCF-style: chr1-207761421-G-C. GRCh37 (hg19) VCF-style: chr1-207934766-G-C.
Other names: c.648G>C, p.Trp216Cys (NM_002389.4, NM_153826.4, NM_172350.3 and 8 more transcripts); short protein forms W216C.
Identifiers: ClinVar variation 4291167 (VCV004291167.1).